The following is an entry in ClinVar:

NM_001035.3(RYR2):c.14757-7_14757-2del

Gene: RYR2 (ryanodine receptor 2; plus strand). Cytogenetic location: 1q43.
Variant type: Microsatellite.
Coding change: c.14757-7_14757-2del on transcript NM_001035.3 (MANE Select); 7 bases into the intron before coding-DNA position 14757 through the canonical splice acceptor site of the intron before coding-DNA position 14757, 6 bases deleted (TCTGTA; older notation c.14757-7_14757-2delTCTGTA).
Molecular consequence: splice acceptor variant.
Genome position (GRCh38, 1-based): chr1:237,831,507-237,831,512, TCTGTA deleted; deleting any 6 consecutive bases within chr1:237,831,501-237,831,512 gives the same sequence; the c. name uses the placement nearest the transcript's 3' end. VCF-style (leftmost placement, unchanged base first): chr1-237831500-CTCTGTA-C. GRCh37 (hg19) VCF-style: chr1-237994800-CTCTGTA-C.
Identifiers: ClinVar variation 5028662 (VCV005028662.1).

ClinVar aggregate classification (germline): Uncertain significance (1 of 4 stars; one submission).

Conditions:
Cardiovascular phenotype. Identifiers: MedGen CN230736.

Submission:

Ambry Genetics
Classification: Uncertain significance for Cardiovascular phenotype. Last evaluated: 2026-08-28. Review status: criteria provided, single submitter. Criteria: Ambry Variant Classification Scheme 2023. Collection method: clinical testing. Allele origin: germline.
Comment: The c.14757-7_14757-2delTCTGTA variant results from a deletion of 6 nucleotides between positions c.14757-7 and c.14757-2 and involves the canonical splice acceptor site before coding exon 104 of the RYR2 gene. The canonical splice acceptor site is highly conserved in available vertebrate species. This variant does not change the sequence of the canonical acceptor at this splice site. However, In silico splice site analysis predicts that this alteration will weaken the native splice acceptor site and may result in the creation or strengthening of a novel splice acceptor site. The exact impact of this deletion on splicing and function is currently unknown. Based on the available evidence, the clinical significance of this variant remains unclear.